The following is an entry in ClinVar:

ClinVar aggregate classification (germline): Uncertain significance. Review status: criteria provided, multiple submitters, no conflicts (2 of 4 stars). 4 submissions from 4 submitters: Uncertain significance (4). Last evaluated 2024-12-17.

Conditions:
Ataxia-telangiectasia syndrome (AT). Also called: Ataxia-telangiectasia, complementation group D; AT, COMPLEMENTATION GROUP C; Ataxia-telangiectasia, complementation group E; Cerebello-oculocutaneous telangiectasia; Immunodeficiency with ataxia telangiectasia; ATAXIA-TELANGIECTASIA, COMPLEMENTATION GROUP A. Identifiers: Orphanet 100, MedGen C0004135, MONDO:0008840, OMIM 208900.
Hereditary cancer-predisposing syndrome. Also called: Neoplastic Syndromes, Hereditary; Hereditary Cancer Syndrome; Tumor predisposition; Hereditary neoplastic syndrome. Identifiers: Orphanet 140162, MedGen C0027672, MeSH D009386, MONDO:0015356.

Allele frequency attached by ClinVar (database versions not stated): gnomAD exomes below 0.00001 and 0.00001; gnomAD 0.00001.
gnomAD v4.1: 4 of 1,613,822 alleles (0.00025%); highest among the groups gnomAD compares: Non-Finnish European, 0.00034%; no homozygotes.

Submissions (4):

Ambry Genetics
Classification: Uncertain significance for Hereditary cancer-predisposing syndrome. Last evaluated: 2024-12-17. Review status: criteria provided, single submitter. Criteria: Ambry Variant Classification Scheme 2023. Collection method: clinical testing. Allele origin: germline.
Comment: The p.S941F variant (also known as c.2822C>T), located in coding exon 17 of the ATM gene, results from a C to T substitution at nucleotide position 2822. The serine at codon 941 is replaced by phenylalanine, an amino acid with highly dissimilar properties. This amino acid position is poorly conserved in available vertebrate species. In addition, this alteration is predicted to be tolerated by in silico analysis. Based on the available evidence, the clinical significance of this variant remains unclear.

Labcorp Genetics (formerly Invitae), Labcorp
Classification: Uncertain significance for Ataxia-telangiectasia syndrome. Last evaluated: 2024-03-16. Review status: criteria provided, single submitter. Criteria: Invitae Variant Classification Sherloc (09022015). Collection method: clinical testing. Allele origin: germline.
Comment: This sequence change replaces serine, which is neutral and polar, with phenylalanine, which is neutral and non-polar, at codon 941 of the ATM protein (p.Ser941Phe). This variant is present in population databases (no rsID available, gnomAD 0.0009%). This missense change has been observed in individual(s) with ATM-related conditions (PMID: 31159747). ClinVar contains an entry for this variant (Variation ID: 584487). Algorithms developed to predict the effect of missense changes on protein structure and function output the following: SIFT: "Not Available"; PolyPhen-2: "Benign"; Align-GVGD: "Not Available". The phenylalanine amino acid residue is found in multiple mammalian species, which suggests that this missense change does not adversely affect protein function. In summary, the available evidence is currently insufficient to determine the role of this variant in disease. Therefore, it has been classified as a Variant of Uncertain Significance.

GeneDx
Classification: Uncertain significance. Last evaluated: 2019-05-02. Review status: criteria provided, single submitter. Criteria: GeneDx Variant Classification Process June 2021. Collection method: clinical testing. Allele origin: germline. Affected: yes.
Comment: Not observed at a significant frequency in large population cohorts (Lek et al., 2016); This variant is associated with the following publications: (PMID: 31159747, 26483394)

GeneKor MSA
Classification: Uncertain significance for Hereditary cancer-predisposing syndrome. Last evaluated: 2018-08-01. Review status: criteria provided, single submitter. Criteria: ACMG Guidelines, 2015. Collection method: clinical testing. Allele origin: germline. Affected: yes.

Literature cited by the submitters: PubMed 31159747 (cited by Labcorp Genetics (formerly Invitae), Labcorp).

NM_000051.4(ATM):c.2822C>T (p.Ser941Phe)

Gene: ATM (ATM serine/threonine kinase; plus strand). Cytogenetic location: 11q22.3.
Variant type: single nucleotide variant.
Coding change: c.2822C>T on transcript NM_000051.4 (MANE Select); coding-DNA position 2822, C replaced by T.
Protein change: p.Ser941Phe; replaces serine 941 with phenylalanine.
Molecular consequence: missense variant.
Genome position (GRCh38, 1-based): chr11:108,268,593, C>T. VCF-style: chr11-108268593-C-T. GRCh37 (hg19) VCF-style: chr11-108139320-C-T.
Other names: c.2822C>T, p.Ser941Phe (NM_001351834.2); short protein forms S941F.
Identifiers: ClinVar variation 584487 (VCV000584487.18), dbSNP rs1188614092, ClinGen allele CA382545791.